The following is an entry in ClinVar:

NM_003024.3(ITSN1):c.1079G>A (p.Arg360His)

Gene: ITSN1 (intersectin 1; plus strand). Cytogenetic location: 21q22.11.
Variant type: single nucleotide variant.
Coding change: c.1079G>A on transcript NM_003024.3 (MANE Select); coding-DNA position 1079, G replaced by A.
Protein change: p.Arg360His; replaces arginine 360 with histidine.
Molecular consequence: missense variant.
Genome position (GRCh38, 1-based): chr21:33,772,097, G>A. VCF-style: chr21-33772097-G-A. GRCh37 (hg19) VCF-style: chr21-35144401-G-A.
Other names: c.1079G>A, p.Arg360His (NM_001001132.2, NM_001331008.2, NM_001331009.2 and 2 more transcripts); c.968G>A, p.Arg323His (NM_001331012.2); short protein forms R323H, R360H.
Identifiers: ClinVar variation 3111967 (VCV003111967.2), dbSNP rs770995793, ClinGen allele CA10011492.
Genomic context (GRCh38, chr21:33,772,097, plus strand): 5'-AGTTGCTGTGTTCCTTGTCTGAAGTAACGTTTGAAGATAAGAAGCGGGAGAACTTTGAAC[G>A]TGGCAACCTGGAACTGGAGAAACGAAGGCAAGCTCTCCTGGAACAGCAGCGCAAGGAGCA-3'
Protein context (NP_003015.2, residues 350-370): FEDKKRENFE[Arg360His]GNLELEKRRQ

ClinVar aggregate classification (germline): Uncertain significance (1 of 4 stars; one submission).

Conditions:
Inborn genetic diseases. Identifiers: MedGen C0950123, MeSH D030342.

Allele frequency attached by ClinVar (database versions not stated): ExAC 0.00001; gnomAD exomes 0.00001.
gnomAD v4.1: 3 of 1,614,186 alleles (0.00019%); highest among the groups gnomAD compares: South Asian, 0.0022%; no homozygotes.

Submission:

Ambry Genetics
Classification: Uncertain significance for Inborn genetic diseases. Last evaluated: 2026-04-22. Review status: criteria provided, single submitter. Criteria: Ambry Variant Classification Scheme 2023. Collection method: clinical testing. Allele origin: germline.
Comment: The c.1079G>A (p.R360H) alteration is located in exon 12 (coding exon 11) of the ITSN1 gene. This alteration results from a G to A substitution at nucleotide position 1079, causing the arginine (R) at amino acid position 360 to be replaced by a histidine (H). Based on data from gnomAD, the A allele has an overall frequency of <0.001% (1/251448) total alleles studied. The highest observed frequency was 0.003% (1/30616) of South Asian alleles. Based on insufficient or conflicting evidence, the clinical significance of this alteration remains unclear.